The following is an entry in ClinVar:

NM_000100.4(CSTB):c.120C>T (p.Ala40=)

Gene: CSTB (cystatin B; minus strand). Cytogenetic location: 21q22.3.
Variant type: single nucleotide variant.
Coding change: c.120C>T on transcript NM_000100.4 (MANE Select); coding-DNA position 120, C replaced by T.
Protein change: p.Ala40=; no amino-acid change (alanine 40 retained).
Molecular consequence: synonymous variant.
Genome position (GRCh38, 1-based): chr21:43,774,706, G>A on the plus strand (C>T on the coding strand, the complement: CSTB is on the minus strand). VCF-style: chr21-43774706-G-A. GRCh37 (hg19) VCF-style: chr21-45194587-G-A.
Identifiers: ClinVar variation 760847 (VCV000760847.12), dbSNP rs368198839, ClinGen allele CA10048935.

ClinVar aggregate classification (germline): Likely benign. Review status: criteria provided, single submitter (1 of 4 stars). 2 submissions from 2 submitters: Likely benign (1). 1 of the submissions does not count toward it. Last evaluated 2026-01-11.

Conditions:
CSTB-related disorder. Also called: CSTB-related condition.
Progressive myoclonic epilepsy. Also called: Myoclonic Epilepsies, Progressive; Familial progressive myoclonic epilepsy; Progressive myoclonus epilepsy; Myoclonus epilepsy. Identifiers: Orphanet 308, Orphanet 98261, MedGen C0751778, MONDO:0020074.

Allele frequency attached by ClinVar (database versions not stated): gnomAD exomes 0.00001; ExAC 0.00002; gnomAD 0.00003 and 0.00004; TOPMed 0.00003.

Submissions (2):

Labcorp Genetics (formerly Invitae), Labcorp
Classification: Likely benign for Progressive myoclonic epilepsy. Last evaluated: 2026-01-11. Review status: criteria provided, single submitter. Criteria: Invitae Variant Classification Sherloc (09022015). Collection method: clinical testing. Allele origin: germline.

PreventionGenetics, part of Exact Sciences
Classification: Likely benign for CSTB-related condition. Last evaluated: 2019-02-22. Review status: no assertion criteria provided. Collection method: clinical testing. Allele origin: germline. Not counted in ClinVar's aggregate classification.
Comment: This variant is classified as likely benign based on ACMG/AMP sequence variant interpretation guidelines (Richards et al. 2015 PMID: 25741868, with internal and published modifications).